The following is an entry in ClinVar:

ClinVar aggregate classification (germline): Pathogenic (1 of 4 stars; one submission).

Submission:

GeneDx
Classification: Pathogenic. Last evaluated: 2017-03-30. Review status: criteria provided, single submitter. Criteria: GeneDx Variant Classification (06012015). Collection method: clinical testing. Allele origin: germline. Affected: yes.
Comment: The c.4933delC variant in the ANKRD11 gene has not been reported previously as a pathogenic variant nor as a benign variant, to our knowledge. The c.4933delC variant causes a frameshift starting with codon Leucine 1645, changes this amino acid to a Tryptophan residue, and creates a premature Stop codon at position 41 of the new reading frame, denoted p.Leu1645TrpfsX41. This variant is predicted to cause loss of normal protein function either through protein truncation or nonsense-mediated mRNA decay. The c.4933delC variant is not observed in large population cohorts (Lek et al., 2016; 1000 Genomes Consortium et al., 2015; Exome Variant Server). We interpret c.4933delC as a pathogenic variant .

NM_013275.6(ANKRD11):c.4933del (p.Leu1645fs)

Gene: ANKRD11 (ankyrin repeat domain containing 11; minus strand). Cytogenetic location: 16q24.3.
Variant type: Deletion.
Coding change: c.4933del on transcript NM_013275.6 (MANE Select); coding-DNA position 4933, one base deleted (C; older notation c.4933delC).
Protein change: p.Leu1645fs; shifts the reading frame from leucine 1645.
Molecular consequence: frameshift variant.
Genome position (GRCh38, 1-based): chr16:89,281,609, G deleted on the plus strand (C on the coding strand, the reverse complement: ANKRD11 is on the minus strand). VCF-style (leftmost placement, unchanged base first): chr16-89281608-AG-A. GRCh37 (hg19) VCF-style: chr16-89348016-AG-A.
Other names: c.4933del, p.Leu1645fs (NM_001256182.2, NM_001256183.2); short protein forms L1645fs.
Identifiers: ClinVar variation 424582 (VCV000424582.2), dbSNP rs1064797050, ClinGen allele CA16620305.